The following is an entry in ClinVar:

NM_001987.5(ETV6):c.580_582del (p.Pro194del)

Gene: ETV6 (ETS variant transcription factor 6; plus strand). Cytogenetic location: 12p13.2.
Variant type: Deletion.
Coding change: c.580_582del on transcript NM_001987.5 (MANE Select); coding-DNA positions 580 to 582, 3 bases deleted (CCT; older notation c.580_582delCCT).
Protein change: p.Pro194del; deletes proline 194.
Molecular consequence: inframe deletion.
Genome position (GRCh38, 1-based): chr12:11,869,540-11,869,542, CCT deleted; deleting any 3 consecutive bases within chr12:11,869,538-11,869,542 gives the same sequence; the c. name uses the placement nearest the transcript's 3' end. VCF-style (leftmost placement, unchanged base first): chr12-11869537-TCTC-T. GRCh37 (hg19) VCF-style: chr12-12022471-TCTC-T.
Other names: c.577_579del, p.Pro193del (NM_001413913.1); c.553_555del, p.Pro185del (NM_001413914.1); c.316_318del, p.Pro106del (NM_001413915.1); c.580_582del, p.Pro194del (NM_001413916.1, NM_001413917.1); short protein forms P185del, P193del, P194del, P106del.
Identifiers: ClinVar variation 4618843 (VCV004618843.1).

ClinVar aggregate classification (germline): Uncertain significance (1 of 4 stars; one submission).

Conditions:
Inborn genetic diseases. Identifiers: MedGen C0950123, MeSH D030342.

Submission:

Ambry Genetics
Classification: Uncertain significance for Inborn genetic diseases. Last evaluated: 2025-10-06. Review status: criteria provided, single submitter. Criteria: Ambry Variant Classification Scheme 2023. Collection method: clinical testing. Allele origin: germline.
Comment: The c.580_582delCCT variant (also known as p.P194del) is located in coding exon 5 of the ETV6 gene. This variant results from an in-frame CCT deletion at nucleotide positions 580 to 582. This results in the in-frame deletion of a proline at codon 194. This amino acid position is highly conserved in available vertebrate species. In addition, this variant is predicted to be neutral by in silico analysis (Choi Y et al. PLoS ONE. 2012; 7(10):e46688). Based on the available evidence, the clinical significance of this variant remains unclear.